The following is an entry in ClinVar:

ClinVar aggregate classification (germline): Uncertain significance. Review status: criteria provided, multiple submitters, no conflicts (2 of 4 stars). 2 submissions from 2 submitters: Uncertain significance (2). Last evaluated 2025-04-17.

Conditions:
Hereditary cancer-predisposing syndrome. Also called: Neoplastic Syndromes, Hereditary; Tumor predisposition; Hereditary neoplastic syndrome; Hereditary Cancer Syndrome. Identifiers: Orphanet 140162, MedGen C0027672, MeSH D009386, MONDO:0015356.
Bloom syndrome (BLM). Also called: Bloom-Torre-Machacek syndrome. Identifiers: Orphanet 125, MedGen C0005859, MONDO:0008876, OMIM 210900.

Submissions (2):

Ambry Genetics
Classification: Uncertain significance for Hereditary cancer-predisposing syndrome. Last evaluated: 2025-04-17. Review status: criteria provided, single submitter. Criteria: Ambry Variant Classification Scheme 2023. Collection method: clinical testing. Allele origin: germline.
Comment: The p.R818L variant (also known as c.2453G>T), located in coding exon 11 of the BLM gene, results from a G to T substitution at nucleotide position 2453. The arginine at codon 818 is replaced by leucine, an amino acid with dissimilar properties. This amino acid position is highly conserved in available vertebrate species. In addition, the in silico prediction for this alteration is inconclusive. Since supporting evidence is limited at this time, the clinical significance of this alteration remains unclear.

Labcorp Genetics (formerly Invitae), Labcorp
Classification: Uncertain significance for Bloom syndrome. Last evaluated: 2022-10-26. Review status: criteria provided, single submitter. Criteria: Invitae Variant Classification Sherloc (09022015). Collection method: clinical testing. Allele origin: germline.
Comment: This sequence change replaces arginine, which is basic and polar, with leucine, which is neutral and non-polar, at codon 818 of the BLM protein (p.Arg818Leu). This variant is not present in population databases (gnomAD no frequency). This variant has not been reported in the literature in individuals affected with BLM-related conditions. ClinVar contains an entry for this variant (Variation ID: 643615). Advanced modeling of protein sequence and biophysical properties (such as structural, functional, and spatial information, amino acid conservation, physicochemical variation, residue mobility, and thermodynamic stability) performed at Invitae indicates that this missense variant is expected to disrupt BLM protein function. In summary, the available evidence is currently insufficient to determine the role of this variant in disease. Therefore, it has been classified as a Variant of Uncertain Significance.

NM_000057.4(BLM):c.2453G>T (p.Arg818Leu)

Gene: BLM (BLM RecQ like helicase; plus strand). Cytogenetic location: 15q26.1.
Variant type: single nucleotide variant.
Coding change: c.2453G>T on transcript NM_000057.4 (MANE Select); coding-DNA position 2453, G replaced by T.
Protein change: p.Arg818Leu; replaces arginine 818 with leucine.
Molecular consequence: missense variant.
Genome position (GRCh38, 1-based): chr15:90,769,484, G>T. VCF-style: chr15-90769484-G-T. GRCh37 (hg19) VCF-style: chr15-91312714-G-T.
Other names: c.2453G>T, p.Arg818Leu (NM_001287247.2, NM_001287246.2); c.1328G>T, p.Arg443Leu (NM_001287248.2); short protein forms R443L, R818L.
Identifiers: ClinVar variation 643615 (VCV000643615.11), dbSNP rs780514723, ClinGen allele CA393845357.
Genomic context (GRCh38, chr15:90,769,484, plus strand): 5'-TTTTTTCCAACTAGTGGGGACATGATTTTCGTCAAGATTACAAAAGAATGAATATGCTTC[G>T]CCAGAAGTTTCCTTCTGTTCCGGTGATGGCTCTTACGGCCACAGCTAATCCCAGGGTACA-3'
Protein context (NP_000048.1, residues 808-828): RQDYKRMNML[Arg818Leu]QKFPSVPVMA